The following is an entry in ClinVar:

ClinVar aggregate classification (germline): Likely pathogenic. Review status: criteria provided, multiple submitters, no conflicts (2 of 4 stars). 3 submissions from 3 submitters: Likely pathogenic (2). 1 of the submissions does not count toward it. Last evaluated 2026-06-15.

Conditions:
Microcephaly, normal intelligence and immunodeficiency (NBS). Also called: Nijmegen breakage syndrome; Microcephaly with normal intelligence immunodeficiency and lymphoreticular malignancies; Nonsyndromal microcephaly autosomal recessive with normal intelligence; Seemanova syndrome 2; BERLIN BREAKAGE SYNDROME; IMMUNODEFICIENCY, MICROCEPHALY, AND CHROMOSOMAL INSTABILITY. Identifiers: Orphanet 647, MedGen C0398791, MONDO:0009623, OMIM 251260.
Hereditary cancer-predisposing syndrome. Also called: Neoplastic Syndromes, Hereditary; Hereditary neoplastic syndrome; Hereditary Cancer Syndrome; Tumor predisposition. Identifiers: Orphanet 140162, MedGen C0027672, MeSH D009386, MONDO:0015356.

Submissions (3):

Ambry Genetics
Classification: Likely pathogenic for Hereditary cancer-predisposing syndrome. Last evaluated: 2026-06-15. Review status: criteria provided, single submitter. Criteria: Ambry Variant Classification Scheme 2023. Collection method: clinical testing. Allele origin: germline.
Comment: The c.702+1G>C intronic variant results from a G to C substitution one nucleotide after coding exon 6 of the NBN gene. This nucleotide position is highly conserved in available vertebrate species. Alterations that disrupt the canonical splice site are expected to cause aberrant splicing, resulting in an abnormal protein or a transcript that is subject to nonsense-mediated mRNA decay. In silico splice site analysis predicts that this alteration will weaken the native splice donor site. RNA studies have demonstrated that this alteration results in abnormal splicing in the set of samples tested (Ambry internal data). As such, this alteration is classified as likely pathogenic.

Labcorp Genetics (formerly Invitae), Labcorp
Classification: Likely pathogenic for Microcephaly, normal intelligence and immunodeficiency. Last evaluated: 2021-12-08. Review status: criteria provided, single submitter. Criteria: Invitae Variant Classification Sherloc (09022015). Collection method: clinical testing. Allele origin: germline.
Comment: ClinVar contains an entry for this variant (Variation ID: 461577). In summary, the currently available evidence indicates that the variant is pathogenic, but additional data are needed to prove that conclusively. Therefore, this variant has been classified as Likely Pathogenic. Algorithms developed to predict the effect of sequence changes on RNA splicing suggest that this variant may disrupt the consensus splice site. This variant has not been reported in the literature in individuals affected with NBN-related conditions. This variant is not present in population databases (gnomAD no frequency). This sequence change affects a donor splice site in intron 6 of the NBN gene. It is expected to disrupt RNA splicing. Variants that disrupt the donor or acceptor splice site typically lead to a loss of protein function (PMID: 16199547), and loss-of-function variants in NBN are known to be pathogenic (PMID: 9590180, 16415040).

Natera, Inc.
Classification: Likely pathogenic for Nijmegen breakage syndrome. Last evaluated: 2020-09-16. Review status: no assertion criteria provided. Collection method: clinical testing. Allele origin: germline. Not counted in ClinVar's aggregate classification.

Literature cited by the submitters: PubMed 16199547 (cited by Labcorp Genetics (formerly Invitae), Labcorp); PubMed 9590180 (cited by Labcorp Genetics (formerly Invitae), Labcorp); PubMed 16415040 (cited by Labcorp Genetics (formerly Invitae), Labcorp).

NM_002485.5(NBN):c.702+1G>C

Gene: NBN (nibrin; minus strand). Cytogenetic location: 8q21.3.
Variant type: single nucleotide variant.
Coding change: c.702+1G>C on transcript NM_002485.5 (MANE Select); the canonical splice donor site of the intron after coding-DNA position 702, G replaced by C.
Molecular consequence: splice donor variant.
Genome position (GRCh38, 1-based): chr8:89,971,172, C>G on the plus strand (G>C on the coding strand, the complement: NBN is on the minus strand). VCF-style: chr8-89971172-C-G. GRCh37 (hg19) VCF-style: chr8-90983400-C-G.
Other names: c.456+1G>C (NM_001024688.3).
Identifiers: ClinVar variation 461577 (VCV000461577.11), dbSNP rs1057517104, ClinGen allele CA371658914.